The following is an entry in ClinVar:

NM_000075.4(CDK4):c.719G>A (p.Arg240Gln)

Genes: CDK4 (cyclin dependent kinase 4; minus strand), TSPAN31 (tetraspanin 31; plus strand). Cytogenetic location: 12q14.1.
Variant type: single nucleotide variant.
Coding change: c.719G>A on transcript NM_000075.4 (MANE Select); coding-DNA position 719, G replaced by A.
Protein change: p.Arg240Gln; replaces arginine 240 with glutamine.
Molecular consequence: missense variant. On other transcripts: 3 prime UTR variant (3).
Genome position (GRCh38, 1-based): chr12:57,749,282, C>T on the plus strand (G>A on the coding strand, the complement: CDK4 is on the minus strand). VCF-style: chr12-57749282-C-T. GRCh37 (hg19) VCF-style: chr12-58143065-C-T.
Other names: c.*1992C>T (NM_001330168.2, NM_001330169.2, NM_005981.5); short protein forms R240Q.
Identifiers: ClinVar variation 236946 (VCV000236946.12), dbSNP rs531817742, ClinGen allele CA6657698.

ClinVar aggregate classification (germline): Uncertain significance. Review status: criteria provided, multiple submitters, no conflicts (2 of 4 stars). 3 submissions from 3 submitters: Uncertain significance (3). Last evaluated 2025-12-24.

Conditions:
Familial melanoma. Also called: Hereditary melanoma; Hereditary cutaneous melanoma. Identifiers: Orphanet 618, MedGen C1512419, MONDO:0018961.
Hereditary cancer-predisposing syndrome. Also called: Hereditary neoplastic syndrome; Hereditary Cancer Syndrome; Neoplastic Syndromes, Hereditary; Tumor predisposition. Identifiers: Orphanet 140162, MedGen C0027672, MeSH D009386, MONDO:0015356.

Allele frequency attached by ClinVar (database versions not stated): gnomAD 0.00001 and 0.00002; TOPMed 0.00002; 1000 Genomes Project 30x 0.00016; 1000 Genomes Project 0.00020.
gnomAD v4.1: 10 of 1,614,198 alleles (0.00062%); highest among the groups gnomAD compares: African/African-American, 0.0053%; no homozygotes.

Submissions (3):

Labcorp Genetics (formerly Invitae), Labcorp
Classification: Uncertain significance for Familial melanoma. Last evaluated: 2025-12-24. Review status: criteria provided, single submitter. Criteria: Invitae Variant Classification Sherloc (09022015). Collection method: clinical testing. Allele origin: germline.
Comment: This sequence change replaces arginine, which is basic and polar, with glutamine, which is neutral and polar, at codon 240 of the CDK4 protein (p.Arg240Gln). This variant is present in population databases (rs531817742, gnomAD 0.004%). This variant has not been reported in the literature in individuals affected with CDK4-related conditions. ClinVar contains an entry for this variant (Variation ID: 236946). Invitae Evidence Modeling of protein sequence and biophysical properties (such as structural, functional, and spatial information, amino acid conservation, physicochemical variation, residue mobility, and thermodynamic stability) indicates that this missense variant is not expected to disrupt CDK4 protein function with a negative predictive value of 95%. In summary, the available evidence is currently insufficient to determine the role of this variant in disease. Therefore, it has been classified as a Variant of Uncertain Significance.

Ambry Genetics
Classification: Uncertain significance for Hereditary cancer-predisposing syndrome. Last evaluated: 2024-11-22. Review status: criteria provided, single submitter. Criteria: Ambry Variant Classification Scheme 2023. Collection method: clinical testing. Allele origin: germline.
Comment: The p.R240Q variant (also known as c.719G>A), located in coding exon 6 of the CDK4 gene, results from a G to A substitution at nucleotide position 719. The arginine at codon 240 is replaced by glutamine, an amino acid with highly similar properties. This amino acid position is poorly conserved in available vertebrate species. In addition, this alteration is predicted to be tolerated by in silico analysis. Since supporting evidence is limited at this time, the clinical significance of this alteration remains unclear.

GeneDx
Classification: Uncertain significance. Last evaluated: 2023-03-13. Review status: criteria provided, single submitter. Criteria: GeneDx Variant Classification Process June 2021. Collection method: clinical testing. Allele origin: germline. Affected: yes.
Comment: Not observed at significant frequency in large population cohorts (gnomAD); In silico analysis supports that this missense variant does not alter protein structure/function; Has not been previously published as pathogenic or benign to our knowledge; This variant is associated with the following publications: (PMID: 26155992)